The following is an entry in ClinVar:

NM_001844.5(COL2A1):c.3273+2dup

Gene: COL2A1 (collagen type II alpha 1 chain; minus strand). Cytogenetic location: 12q13.11.
Variant type: Duplication.
Coding change: c.3273+2dup on transcript NM_001844.5 (MANE Select); the canonical splice donor site of the intron after coding-DNA position 3273, one base duplicated (T; older notation c.3273+2dupT).
Molecular consequence: splice donor variant.
Genome position (GRCh38, 1-based): chr12:47,977,318, A duplicated on the plus strand (T on the coding strand, the reverse complement: COL2A1 is on the minus strand). VCF-style (leftmost placement, unchanged base first): chr12-47977317-T-TA. GRCh37 (hg19) VCF-style: chr12-48371100-T-TA.
Other names: c.3066+2dup (NM_033150.3).
Identifiers: ClinVar variation 4281745 (VCV004281745.3).

ClinVar aggregate classification (germline): Uncertain significance. Review status: criteria provided, multiple submitters, no conflicts (2 of 4 stars). 2 submissions from 2 submitters: Uncertain significance (2). Last evaluated 2026-02-14.

Submissions (2):

GeneDx
Classification: Uncertain significance. Last evaluated: 2026-02-14. Review status: criteria provided, single submitter. Criteria: GeneDx Variant Classification Process June 2021. Collection method: clinical testing. Allele origin: germline.
Comment: Not observed at significant frequency in large population cohorts (gnomAD); Damages or destroys the splice donor site in intron 46, and is expected to cause abnormal gene splicing; if the splice outcome is exon skip, the loss of the encoded residues in the triple helical region is expected to disrupt normal protein folding and function, and this is an established mechanism of disease (HGMD); Has not been previously published as pathogenic or benign to our knowledge

Blueprint Genetics
Classification: Uncertain significance. Last evaluated: 2021-11-13. Review status: criteria provided, single submitter. Criteria: ACMG Guidelines, 2015. Collection method: clinical testing. Allele origin: germline.